The following is an entry in ClinVar:

ClinVar aggregate classification (germline): Uncertain significance (1 of 4 stars; one submission).

Allele frequency attached by ClinVar (database versions not stated): TOPMed below 0.00001.

Submission:

Labcorp Genetics (formerly Invitae), Labcorp
Classification: Uncertain significance. Last evaluated: 2021-07-19. Review status: criteria provided, single submitter. Criteria: Invitae Variant Classification Sherloc (09022015). Collection method: clinical testing. Allele origin: germline.
Comment: In summary, the available evidence is currently insufficient to determine the role of this variant in disease. Therefore, it has been classified as a Variant of Uncertain Significance. Algorithms developed to predict the effect of missense changes on protein structure and function are either unavailable or do not agree on the potential impact of this missense change (SIFT: "Not Available"; PolyPhen-2: "Probably Damaging"; Align-GVGD: "Not Available"). This variant has not been reported in the literature in individuals affected with MYO18B-related conditions. This variant is not present in population databases (ExAC no frequency). This sequence change replaces isoleucine with serine at codon 1986 of the MYO18B protein (p.Ile1986Ser). The isoleucine residue is moderately conserved and there is a large physicochemical difference between isoleucine and serine.

NM_032608.7(MYO18B):c.5957T>G (p.Ile1986Ser)

Gene: MYO18B (myosin XVIIIB; plus strand). Cytogenetic location: 22q12.1.
Variant type: single nucleotide variant.
Coding change: c.5957T>G on transcript NM_032608.7 (MANE Select); coding-DNA position 5957, T replaced by G.
Protein change: p.Ile1986Ser; replaces isoleucine 1986 with serine.
Molecular consequence: missense variant.
Genome position (GRCh38, 1-based): chr22:25,952,410, T>G. VCF-style: chr22-25952410-T-G. GRCh37 (hg19) VCF-style: chr22-26348376-T-G.
Other names: c.5960T>G, p.Ile1987Ser (NM_001318245.2); short protein forms I1987S, I1986S.
Identifiers: ClinVar variation 1446219 (VCV001446219.8), dbSNP rs2092803481, ClinGen allele CA411008825.